The following is an entry in ClinVar:

NM_012431.3(SEMA3E):c.780C>T (p.His260=)

Gene: SEMA3E (semaphorin 3E; minus strand). Cytogenetic location: 7q21.11.
Variant type: single nucleotide variant.
Coding change: c.780C>T on transcript NM_012431.3 (MANE Select); coding-DNA position 780, C replaced by T.
Protein change: p.His260=; no amino-acid change (histidine 260 retained).
Molecular consequence: synonymous variant.
Genome position (GRCh38, 1-based): chr7:83,407,130, G>A on the plus strand (C>T on the coding strand, the complement: SEMA3E is on the minus strand). VCF-style: chr7-83407130-G-A. GRCh37 (hg19) VCF-style: chr7-83036446-G-A.
Other names: c.600C>T, p.His200= (NM_001178129.2); c.780C>T (NM_012431.2).
Identifiers: ClinVar variation 1078214 (VCV001078214.12), dbSNP rs533306215, ClinGen allele CA4322219.

ClinVar aggregate classification (germline): Likely benign. Review status: criteria provided, multiple submitters, no conflicts (2 of 4 stars). 3 submissions from 3 submitters: Likely benign (2). 1 of the submissions does not count toward it. Last evaluated 2025-12-11.

Conditions:
SEMA3E-related disorder. Also called: SEMA3E-related condition.
CHARGE syndrome (CHARGE). Also called: Hittner Hirsch Kreh syndrome; CHARGE ASSOCIATION--COLOBOMA, HEART ANOMALY, CHOANAL ATRESIA, RETARDATION, GENITAL AND EAR ANOMALIES; Coloboma, heart anomaly, choanal atresia, retardation, genital and ear anomalies; CHARGE association; Hall-Hittner syndrome. Identifiers: Orphanet 138, MedGen C0265354, MONDO:0008965.

gnomAD v4.1: 54 of 1,613,402 alleles (0.0033%); highest among the groups gnomAD compares: Non-Finnish European, 0.0038%; no homozygotes.

Submissions (3):

Labcorp Genetics (formerly Invitae), Labcorp
Classification: Likely benign for CHARGE syndrome. Last evaluated: 2025-12-11. Review status: criteria provided, single submitter. Criteria: Invitae Variant Classification Sherloc (09022015). Collection method: clinical testing. Allele origin: germline.

Blueprint Genetics
Classification: Likely benign. Last evaluated: 2023-12-28. Review status: criteria provided, single submitter. Criteria: ACMG Guidelines, 2015. Collection method: clinical testing. Allele origin: germline.

PreventionGenetics, part of Exact Sciences
Classification: Likely benign for SEMA3E-related condition. Last evaluated: 2022-06-08. Review status: no assertion criteria provided. Collection method: clinical testing. Allele origin: germline. Not counted in ClinVar's aggregate classification.
Comment: This variant is classified as likely benign based on ACMG/AMP sequence variant interpretation guidelines (Richards et al. 2015 PMID: 25741868, with internal and published modifications).